The following is an entry in ClinVar:

ClinVar aggregate classification (germline): Pathogenic/Likely pathogenic. Review status: criteria provided, multiple submitters, no conflicts (2 of 4 stars). 2 submissions from 2 submitters: Pathogenic (1); Likely pathogenic (1). Last evaluated 2025-08-26.

Conditions:
Bardet-Biedl syndrome 2 (BBS2). Identifiers: Orphanet 110, MedGen C2936863, MONDO:0014432, OMIM 615981.
Bardet-Biedl syndrome (BBS). Identifiers: Orphanet 110, MedGen C0752166, MONDO:0015229.

Submissions (2):

Natera, Inc.
Classification: Likely pathogenic for Bardet-Biedl syndrome type 2. Last evaluated: 2025-08-26. Review status: criteria provided, single submitter. Criteria: Natera Variant Classification Schema (03/2026). Collection method: clinical testing. Allele origin: germline.
Comment: The c.1015del variant in BBS2 is a frameshift variant predicted to shift the reading frame beginning at codon 339 and leads to a stop codon 3 codons downstream. This variant is expected to result in nonsense mediated decay, truncation, or a dysfunctional protein product. This variant is rare in the general population with a frequency below the threshold expected for the associated phenotype(s). Given the available evidence, this variant is classified as Likely Pathogenic.

Labcorp Genetics (formerly Invitae), Labcorp
Classification: Pathogenic for Bardet-Biedl syndrome. Last evaluated: 2023-11-20. Review status: criteria provided, single submitter. Criteria: Invitae Variant Classification Sherloc (09022015). Collection method: clinical testing. Allele origin: germline.
Comment: This sequence change creates a premature translational stop signal (p.Arg339Glufs*3) in the BBS2 gene. It is expected to result in an absent or disrupted protein product. Loss-of-function variants in BBS2 are known to be pathogenic (PMID: 11285252, 20177705, 24608809, 26518167). This variant is not present in population databases (gnomAD no frequency). This variant has not been reported in the literature in individuals affected with BBS2-related conditions. For these reasons, this variant has been classified as Pathogenic.

Literature cited by the submitters: PubMed 11285252 (cited by Labcorp Genetics (formerly Invitae), Labcorp); PubMed 20177705 (cited by Labcorp Genetics (formerly Invitae), Labcorp); PubMed 24608809 (cited by Labcorp Genetics (formerly Invitae), Labcorp); PubMed 26518167 (cited by Labcorp Genetics (formerly Invitae), Labcorp).

NM_031885.5(BBS2):c.1015del (p.Arg339fs)

Gene: BBS2 (Bardet-Biedl syndrome 2; minus strand). Cytogenetic location: 16q13.
Variant type: Deletion.
Coding change: c.1015del on transcript NM_031885.5 (MANE Select); coding-DNA position 1015, one base deleted (C; older notation c.1015delC).
Protein change: p.Arg339fs; shifts the reading frame from arginine 339.
Molecular consequence: frameshift variant. On other transcripts: non-coding transcript variant (5).
Genome position (GRCh38, 1-based): chr16:56,502,382, G deleted on the plus strand (C on the coding strand, the reverse complement: BBS2 is on the minus strand); the first of 2 consecutive G bases (chr16:56,502,382-56,502,383); deleting either gives the same sequence. VCF-style (leftmost placement, unchanged base first): chr16-56502381-CG-C. GRCh37 (hg19) VCF-style: chr16-56536293-CG-C.
Other names: c.1015del (NM_031885.3); c.1015del, p.Arg339fs (NM_001377456.1); short protein forms R339fs.
Identifiers: ClinVar variation 2740944 (VCV002740944.4), dbSNP rs2543712679, ClinGen allele CA2697555842.